The following is an entry in ClinVar:

NM_000179.3(MSH6):c.3743A>G (p.His1248Arg)

Gene: MSH6 (mutS homolog 6; plus strand). Cytogenetic location: 2p16.3.
Variant type: single nucleotide variant.
Coding change: c.3743A>G on transcript NM_000179.3 (MANE Select); coding-DNA position 3743, A replaced by G.
Protein change: p.His1248Arg; replaces histidine 1248 with arginine.
Molecular consequence: missense variant.
Genome position (GRCh38, 1-based): chr2:47,806,300, A>G. VCF-style: chr2-47806300-A-G. GRCh37 (hg19) VCF-style: chr2-48033439-A-G.
Other names: c.3743A>G, p.His1248Arg (NM_001406800.1, NM_001406808.1, NM_001406809.1 and 1 more transcripts); c.3446A>G, p.His1149Arg (NM_001406801.1, NM_001406805.1, NM_001406820.1 and 10 more transcripts); c.3839A>G, p.His1280Arg (NM_001406802.1, NM_001406795.1); c.2879A>G, p.His960Arg (NM_001406803.1); c.3665A>G, p.His1222Arg (NM_001406804.1); c.3218A>G, p.His1073Arg (NM_001406806.1, NM_001406807.1, NM_001406799.1); c.2837A>G, p.His946Arg (NM_001406823.1, NM_001406829.1, NM_001281493.2 and 6 more transcripts); c.3575A>G, p.His1192Arg (NM_001406826.1); and 7 more; short protein forms H1118R, H563R, H946R, H960R, H1190R, H1250R, H175R, H197R.
Identifiers: ClinVar variation 2036675 (VCV002036675.5), dbSNP rs1313332429, ClinGen allele CA346761058.
Genomic context (GRCh38, chr2:47,806,300, plus strand): 5'-CAAATGCAGTTGTTAAAGAACTTGCTGAGACTATAAAATGTCGTACATTATTTTCAACTC[A>G]CTACCATTCATTAGTAGAAGATTATTCTCAAAATGTTGCTGTGCGCCTAGGACATATGGT-3'
Protein context (NP_000170.1, residues 1238-1258): TIKCRTLFST[His1248Arg]YHSLVEDYSQ

ClinVar aggregate classification (germline): Uncertain significance. Review status: criteria provided, multiple submitters, no conflicts (2 of 4 stars). 2 submissions from 2 submitters: Uncertain significance (2). Last evaluated 2025-01-16.

Conditions:
Hereditary nonpolyposis colorectal neoplasms. Identifiers: MedGen C0009405, MeSH D003123.
Hereditary cancer-predisposing syndrome. Also called: Neoplastic Syndromes, Hereditary; Hereditary Cancer Syndrome; Tumor predisposition; Hereditary neoplastic syndrome. Identifiers: Orphanet 140162, MedGen C0027672, MeSH D009386, MONDO:0015356.

gnomAD v4.1: 1 of 1,614,098 alleles (0.000062%); no homozygotes.

Submissions (2):

Ambry Genetics
Classification: Uncertain significance for Hereditary cancer-predisposing syndrome. Last evaluated: 2025-01-16. Review status: criteria provided, single submitter. Criteria: Ambry Variant Classification Scheme 2023. Collection method: clinical testing. Allele origin: germline.
Comment: The p.H1248R variant (also known as c.3743A>G), located in coding exon 8 of the MSH6 gene, results from an A to G substitution at nucleotide position 3743. The histidine at codon 1248 is replaced by arginine, an amino acid with highly similar properties. This amino acid position is highly conserved in available vertebrate species. In addition, this alteration is predicted to be deleterious by in silico analysis. Based on the available evidence, the clinical significance of this variant remains unclear.

Labcorp Genetics (formerly Invitae), Labcorp
Classification: Uncertain significance for Hereditary nonpolyposis colorectal neoplasms. Last evaluated: 2022-10-23. Review status: criteria provided, single submitter. Criteria: Invitae Variant Classification Sherloc (09022015). Collection method: clinical testing. Allele origin: germline.
Comment: This sequence change replaces histidine, which is basic and polar, with arginine, which is basic and polar, at codon 1248 of the MSH6 protein (p.His1248Arg). This variant is not present in population databases (gnomAD no frequency). This variant has not been reported in the literature in individuals affected with MSH6-related conditions. Advanced modeling of protein sequence and biophysical properties (such as structural, functional, and spatial information, amino acid conservation, physicochemical variation, residue mobility, and thermodynamic stability) performed at Invitae indicates that this missense variant is expected to disrupt MSH6 protein function. Experimental studies are conflicting or provide insufficient evidence to determine the effect of this variant on MSH6 function (PMID: 31965077). In summary, the available evidence is currently insufficient to determine the role of this variant in disease. Therefore, it has been classified as a Variant of Uncertain Significance.

Literature cited by the submitters: PubMed 31965077 (cited by Labcorp Genetics (formerly Invitae), Labcorp).